The following is an entry in ClinVar:

ClinVar aggregate classification (germline): Uncertain significance (1 of 4 stars; one submission).

gnomAD v4.1: 27 of 1,593,922 alleles (0.0017%); highest among the groups gnomAD compares: Non-Finnish European, 0.0021%; no homozygotes.

Submission:

Labcorp Genetics (formerly Invitae), Labcorp
Classification: Uncertain significance. Last evaluated: 2024-10-22. Review status: criteria provided, single submitter. Criteria: Invitae Variant Classification Sherloc (09022015). Collection method: clinical testing. Allele origin: germline.
Comment: This sequence change replaces arginine, which is basic and polar, with tryptophan, which is neutral and slightly polar, at codon 57 of the RGS9BP protein (p.Arg57Trp). This variant is present in population databases (no rsID available, gnomAD 0.003%). This variant has not been reported in the literature in individuals affected with RGS9BP-related conditions. ClinVar contains an entry for this variant (Variation ID: 1911612). An algorithm developed to predict the effect of missense changes on protein structure and function (PolyPhen-2) suggests that this variant is likely to be disruptive. In summary, the available evidence is currently insufficient to determine the role of this variant in disease. Therefore, it has been classified as a Variant of Uncertain Significance.

NM_207391.3(RGS9BP):c.169C>T (p.Arg57Trp)

Gene: RGS9BP (regulator of G protein signaling 9 binding protein; plus strand). Cytogenetic location: 19q13.11.
Variant type: single nucleotide variant.
Coding change: c.169C>T on transcript NM_207391.3 (MANE Select); coding-DNA position 169, C replaced by T.
Protein change: p.Arg57Trp; replaces arginine 57 with tryptophan.
Molecular consequence: missense variant.
Genome position (GRCh38, 1-based): chr19:32,676,432, C>T. VCF-style: chr19-32676432-C-T. GRCh37 (hg19) VCF-style: chr19-33167338-C-T.
Other names: short protein forms R57W.
Identifiers: ClinVar variation 1911612 (VCV001911612.5), dbSNP rs1209608953, ClinGen allele CA405185711.